The following is an entry in ClinVar:

ClinVar aggregate classification (germline): Benign/Likely benign. Review status: criteria provided, multiple submitters, no conflicts (2 of 4 stars). 9 submissions from 9 submitters: Benign (3); Likely benign (4). 2 of the submissions do not count toward it. Last evaluated 2026-08-01.

Conditions:
Paget disease of bone 2, early-onset (PDB2). Also called: Paget disease of bone 2. Identifiers: MedGen C4085251, MONDO:0011183, OMIM 602080.
Frontotemporal dementia and/or amyotrophic lateral sclerosis 1 (FTDALS1). Also called: Frontotemporal dementia with motor neuron disease 1; C9orf72 Frontotemporal Dementia and/or Amyotrophic Lateral Sclerosis. Identifiers: Orphanet 275872, MedGen C5779877, MONDO:0007105, OMIM 105550.
Paget disease of bone 3. Identifiers: MedGen C4085252, MONDO:0008176, OMIM 167250.

Allele frequency attached by ClinVar (database versions not stated): gnomAD 0.00229 and 0.00240; 1000 Genomes Project 0.00240; ExAC 0.00242; 1000 Genomes Project 30x 0.00250; ESP Exome Variant Server 0.00261; TOPMed 0.00270; gnomAD exomes 0.00282 and 0.00353.
gnomAD v4.1: 5,493 of 1,614,012 alleles (0.34%); highest among the groups gnomAD compares: South Asian, 0.49%; 26 homozygotes.

Submissions (9):

CeGaT Center for Human Genetics Tuebingen
Classification: Likely benign. Last evaluated: 2026-08-01. Review status: criteria provided, single submitter. Criteria: CeGaT Center For Human Genetics Tuebingen Variant Classification Criteria Version 2. Collection method: clinical testing. Allele origin: germline. Affected: yes. Observed: 20 variant alleles.
Comment: SQSTM1: BS2

Labcorp Genetics (formerly Invitae), Labcorp
Classification: Benign for Paget disease of bone 2, early-onset; Frontotemporal dementia and/or amyotrophic lateral sclerosis 1. Last evaluated: 2026-02-01. Review status: criteria provided, single submitter. Criteria: Invitae Variant Classification Sherloc (09022015). Collection method: clinical testing. Allele origin: germline.

Athena Diagnostics
Classification: Benign. Last evaluated: 2025-10-31. Review status: criteria provided, single submitter. Criteria: Athena Diagnostics Criteria. Collection method: clinical testing. Allele origin: unknown.
Comment: The frequency of this variant in the general population is higher than would generally be expected for pathogenic variants in this gene. Computational tools predict this amino acid change may be benign.

Mayo Clinic Laboratories, Mayo Clinic
Classification: Benign. Last evaluated: 2022-06-30. Review status: criteria provided, single submitter. Criteria: ACMG Guidelines, 2015. Collection method: clinical testing. Allele origin: germline. Observed: 16 variant alleles.
Comment: BS1, BS2

GeneDx
Classification: Likely benign. Last evaluated: 2021-02-09. Review status: criteria provided, single submitter. Criteria: GeneDx Variant Classification Process June 2021. Collection method: clinical testing. Allele origin: germline. Affected: yes.
Comment: This variant is associated with the following publications: (PMID: 32594029, 29524522, 32409511, 32317127, 32028661, 31859009, 31445297, 28430856, 22972638, 24899140)

Illumina Laboratory Services, Illumina
Classification: Likely benign for Paget disease of bone 3. Last evaluated: 2017-04-27. Review status: criteria provided, single submitter. Criteria: ICSL Variant Classification Criteria 13 December 2019. Collection method: clinical testing. Allele origin: germline.
Comment: This variant was observed as part of a predisposition screen in an ostensibly healthy population. A literature search was performed for the gene, cDNA change, and amino acid change (where applicable). No publications were found based on this search. Allele frequency data from public databases allowed determination this variant is unlikely to cause disease. Therefore, this variant is classified as likely benign.

Breakthrough Genomics
Classification: Likely benign. Review status: criteria provided, single submitter. Criteria: ACMG Guidelines, 2015. Collection method: not provided. Allele origin: germline. Inheritance: Autosomal recessive inheritance. Affected: yes.

Clinical Genetics DNA and cytogenetics Diagnostics Lab, Erasmus MC, Erasmus Medical Center
Classification: Likely benign. Review status: no assertion criteria provided. Collection method: clinical testing. Allele origin: germline. Affected: yes. Study: VKGL Data-share Consensus. Not counted in ClinVar's aggregate classification.

Genome Diagnostics Laboratory, Amsterdam University Medical Center
Classification: Benign. Review status: no assertion criteria provided. Collection method: clinical testing. Allele origin: germline. Affected: yes. Study: VKGL Data-share Consensus. Not counted in ClinVar's aggregate classification.

Literature cited by the submitters: PubMed 22972638 (cited by Athena Diagnostics and Mayo Clinic Laboratories, Mayo Clinic); PubMed 24899140 (cited by Athena Diagnostics and Mayo Clinic Laboratories, Mayo Clinic); PubMed 25796131 (cited by Athena Diagnostics and Mayo Clinic Laboratories, Mayo Clinic); PubMed 25512523 (cited by Athena Diagnostics); PubMed 23942205 (cited by Athena Diagnostics and Mayo Clinic Laboratories, Mayo Clinic); PubMed 24042580 (cited by Athena Diagnostics and Mayo Clinic Laboratories, Mayo Clinic); PubMed 28430856 (cited by Mayo Clinic Laboratories, Mayo Clinic); PubMed 31445297 (cited by Mayo Clinic Laboratories, Mayo Clinic); PubMed 31859009 (cited by Mayo Clinic Laboratories, Mayo Clinic); PubMed 32409511 (cited by Mayo Clinic Laboratories, Mayo Clinic); PubMed 33601107 (cited by Mayo Clinic Laboratories, Mayo Clinic).

NM_003900.5(SQSTM1):c.712A>G (p.Lys238Glu)

Gene: SQSTM1 (sequestosome 1; plus strand). Cytogenetic location: 5q35.3.
Variant type: single nucleotide variant.
Coding change: c.712A>G on transcript NM_003900.5 (MANE Select); coding-DNA position 712, A replaced by G.
Protein change: p.Lys238Glu; replaces lysine 238 with glutamic acid.
Molecular consequence: missense variant.
Genome position (GRCh38, 1-based): chr5:179,825,184, A>G. VCF-style: chr5-179825184-A-G. GRCh37 (hg19) VCF-style: chr5-179252184-A-G.
Other names: p.Lys238Glu; c.460A>G, p.Lys154Glu (NM_001142298.2, NM_001142299.2); short protein forms K238E, K154E.
Identifiers: ClinVar variation 475403 (VCV000475403.48), dbSNP rs11548633, ClinGen allele CA3600625.